The following is an entry in ClinVar:

NM_198428.3(BBS9):c.2521+1G>T

Gene: BBS9 (Bardet-Biedl syndrome 9; plus strand). Cytogenetic location: 7p14.3.
Variant type: single nucleotide variant.
Coding change: c.2521+1G>T on transcript NM_198428.3 (MANE Select); the canonical splice donor site of the intron after coding-DNA position 2521, G replaced by T.
Molecular consequence: splice donor variant.
Genome position (GRCh38, 1-based): chr7:33,534,177, G>T. VCF-style: chr7-33534177-G-T. GRCh37 (hg19) VCF-style: chr7-33573789-G-T.
Other names: c.2521+1G>T (NM_001348036.1, NM_001362679.1, NM_001348041.4 and 1 more transcripts); c.2248+1G>T (NM_001348038.3); c.2143+1G>T (NM_001348039.3); c.2506+1G>T (NM_001033605.2); c.2416+1G>T (NM_001033604.2); c.2401+1G>T (NM_014451.4, NM_001348040.3); c.1972+1G>T (NM_001348037.3); c.2386+1G>T (NM_001348042.3); and 2 more.
Identifiers: ClinVar variation 2808252 (VCV002808252.4), dbSNP rs1310284141, ClinGen allele CA367257163.

ClinVar aggregate classification (germline): Likely pathogenic. Review status: criteria provided, multiple submitters, no conflicts (2 of 4 stars). 2 submissions from 2 submitters: Likely pathogenic (2). Last evaluated 2024-06-13.

Conditions:
Bardet-Biedl syndrome (BBS). Identifiers: Orphanet 110, MedGen C0752166, MONDO:0015229.
BBS9-related disorder. Also called: BBS9-related condition.

gnomAD v4.1: 1 of 1,613,532 alleles (0.000062%); highest among the groups gnomAD compares: Non-Finnish European, 0.000085%; no homozygotes.

Submissions (2):

Blueprint Genetics
Classification: Likely pathogenic for BBS9-related disorders. Last evaluated: 2024-06-13. Review status: criteria provided, single submitter. Criteria: ACMG Guidelines, 2015. Collection method: clinical testing. Allele origin: germline. Affected: yes. Observed: 1 variant allele.

Labcorp Genetics (formerly Invitae), Labcorp
Classification: Likely pathogenic for Bardet-Biedl syndrome. Last evaluated: 2023-10-30. Review status: criteria provided, single submitter. Criteria: Invitae Variant Classification Sherloc (09022015). Collection method: clinical testing. Allele origin: germline.
Comment: This sequence change affects a donor splice site in intron 21 of the BBS9 gene. It is expected to disrupt RNA splicing. Variants that disrupt the donor or acceptor splice site typically lead to a loss of protein function (PMID: 16199547), and loss-of-function variants in BBS9 are known to be pathogenic (PMID: 16380913, 20177705). This variant is not present in population databases (gnomAD no frequency). This variant has not been reported in the literature in individuals affected with BBS9-related conditions. Algorithms developed to predict the effect of sequence changes on RNA splicing suggest that this variant may disrupt the consensus splice site. In summary, the currently available evidence indicates that the variant is pathogenic, but additional data are needed to prove that conclusively. Therefore, this variant has been classified as Likely Pathogenic.

Literature cited by the submitters: PubMed 16199547 (cited by Labcorp Genetics (formerly Invitae), Labcorp); PubMed 16380913 (cited by Labcorp Genetics (formerly Invitae), Labcorp); PubMed 20177705 (cited by Labcorp Genetics (formerly Invitae), Labcorp).